The following is an entry in ClinVar:

NM_130839.5(UBE3A):c.2263C>G (p.Leu755Val)

Genes: SNHG14 (small nucleolar RNA host gene 14; plus strand), UBE3A (ubiquitin protein ligase E3A; minus strand). Cytogenetic location: 15q11.2.
Variant type: single nucleotide variant.
Coding change: c.2263C>G on transcript NM_130839.5 (MANE Select); coding-DNA position 2263, C replaced by G.
Protein change: p.Leu755Val; replaces leucine 755 with valine.
Molecular consequence: missense variant. On other transcripts: non-coding transcript variant (1), intron variant (3).
Genome position (GRCh38, 1-based): chr15:25,354,545, G>C on the plus strand (C>G on the coding strand, the complement: UBE3A is on the minus strand). VCF-style: chr15-25354545-G-C. GRCh37 (hg19) VCF-style: chr15-25599692-G-C.
Other names: c.2272C>G, p.Leu758Val (NM_000462.5); c.2263C>G, p.Leu755Val (NM_001354505.1, NM_001354538.2); c.2203C>G, p.Leu735Val (NM_001354506.2, NM_001354507.2, NM_001354508.2 and 14 more transcripts); c.2086C>G, p.Leu696Val (NM_001354546.2); c.2038C>G, p.Leu680Val (NM_001354549.2); c.1012C>G, p.Leu338Val (NM_001354550.2); c.952C>G, p.Leu318Val (NM_001354551.2); c.2065-119C>G (NM_001354548.2, NM_001354547.2); and 1 more; short protein forms L318V, L338V, L680V, L696V, L735V, L755V, L758V.
Identifiers: ClinVar variation 1008062 (VCV001008062.8), dbSNP rs1345019600, ClinGen allele CA391351636.

ClinVar aggregate classification (germline): Uncertain significance (1 of 4 stars; one submission).

Conditions:
Angelman syndrome (AS). Also called: HAPPY PUPPET SYNDROME. Identifiers: Orphanet 72, MedGen C0162635, MONDO:0007113, OMIM 105830. Disease mechanism: loss of function. Inheritance: AS is caused by disruption of maternally imprinted UBE3A located within the 15q11.2-q13 Angelman syndrome/Prader-Willi syndrome (AS/PWS) region., imprinting disorder.

Submission:

Labcorp Genetics (formerly Invitae), Labcorp
Classification: Uncertain significance for Angelman syndrome. Last evaluated: 2022-06-20. Review status: criteria provided, single submitter. Criteria: Invitae Variant Classification Sherloc (09022015). Collection method: clinical testing. Allele origin: germline.
Comment: In summary, the available evidence is currently insufficient to determine the role of this variant in disease. Therefore, it has been classified as a Variant of Uncertain Significance. Algorithms developed to predict the effect of missense changes on protein structure and function are either unavailable or do not agree on the potential impact of this missense change (SIFT: "Not Available"; PolyPhen-2: "Possibly Damaging"; Align-GVGD: "Not Available"). ClinVar contains an entry for this variant (Variation ID: 1008062). This variant has not been reported in the literature in individuals affected with UBE3A-related conditions. This variant is not present in population databases (gnomAD no frequency). This sequence change replaces leucine, which is neutral and non-polar, with valine, which is neutral and non-polar, at codon 735 of the UBE3A protein (p.Leu735Val).